The following is an entry in ClinVar:

ClinVar aggregate classification (germline): Uncertain significance (1 of 4 stars; one submission).

Conditions:
Autosomal dominant limb-girdle muscular dystrophy type 1G (LGMDD3). Also called: Limb-girdle muscular dystrophy, type 1G; MUSCULAR DYSTROPHY, LIMB-GIRDLE, AUTOSOMAL DOMINANT 3. Identifiers: Orphanet 55596, MedGen C1836765, MONDO:0012193, OMIM 609115.

Submission:

Labcorp Genetics (formerly Invitae), Labcorp
Classification: Uncertain significance for Autosomal dominant limb-girdle muscular dystrophy type 1G. Last evaluated: 2022-05-25. Review status: criteria provided, single submitter. Criteria: Invitae Variant Classification Sherloc (09022015). Collection method: clinical testing. Allele origin: germline.
Comment: In summary, the available evidence is currently insufficient to determine the role of this variant in disease. Therefore, it has been classified as a Variant of Uncertain Significance. Algorithms developed to predict the effect of missense changes on protein structure and function are either unavailable or do not agree on the potential impact of this missense change (SIFT: "Deleterious"; PolyPhen-2: "Possibly Damaging"; Align-GVGD: "Class C0"). This variant has not been reported in the literature in individuals affected with HNRNPDL-related conditions. This sequence change replaces arginine, which is basic and polar, with histidine, which is basic and polar, at codon 25 of the HNRNPDL protein (p.Arg25His). This variant is not present in population databases (gnomAD no frequency).

NM_031372.4(HNRNPDL):c.74G>A (p.Arg25His)

Gene: HNRNPDL (heterogeneous nuclear ribonucleoprotein D like; minus strand). Cytogenetic location: 4q21.22.
Variant type: single nucleotide variant.
Coding change: c.74G>A on transcript NM_031372.4 (MANE Select); coding-DNA position 74, G replaced by A.
Protein change: p.Arg25His; replaces arginine 25 with histidine.
Molecular consequence: missense variant. On other transcripts: non-coding transcript variant (1).
Genome position (GRCh38, 1-based): chr4:82,429,617, C>T on the plus strand (G>A on the coding strand, the complement: HNRNPDL is on the minus strand). VCF-style: chr4-82429617-C-T. GRCh37 (hg19) VCF-style: chr4-83350770-C-T.
Other names: c.74G>A, p.Arg25His (NM_001207000.1); short protein forms R25H.
Identifiers: ClinVar variation 2154643 (VCV002154643.4), dbSNP rs1369754713, ClinGen allele CA357173819.